The following is an entry in ClinVar:

ClinVar aggregate classification (germline): Uncertain significance (1 of 4 stars; one submission).

Submission:

GeneDx
Classification: Uncertain significance. Last evaluated: 2019-06-05. Review status: criteria provided, single submitter. Criteria: GeneDx Variant Classification Process June 2021. Collection method: clinical testing. Allele origin: germline. Affected: yes.
Comment: Has not been previously published as pathogenic or benign to our knowledge; Not observed at a significant frequency in large population cohorts (Lek et al., 2016); In silico analysis, which includes protein predictors and evolutionary conservation, supports that this variant does not alter protein structure/function

NM_000890.5(KCNJ5):c.1151C>T (p.Pro384Leu)

Gene: KCNJ5 (potassium inwardly rectifying channel subfamily J member 5; plus strand). Cytogenetic location: 11q24.3.
Variant type: single nucleotide variant.
Coding change: c.1151C>T on transcript NM_000890.5 (MANE Select); coding-DNA position 1151, C replaced by T.
Protein change: p.Pro384Leu; replaces proline 384 with leucine.
Molecular consequence: missense variant.
Genome position (GRCh38, 1-based): chr11:128,916,622, C>T. VCF-style: chr11-128916622-C-T. GRCh37 (hg19) VCF-style: chr11-128786517-C-T.
Other names: c.1151C>T, p.Pro384Leu (NM_001354169.2); short protein forms P384L.
Identifiers: ClinVar variation 1306167 (VCV001306167.2), dbSNP rs148307402, ClinGen allele CA230583289.